The following is an entry in ClinVar:

ClinVar aggregate classification (germline): Pathogenic (1 of 4 stars; one submission).

Conditions:
Joubert syndrome 25 (JBTS25). Identifiers: Orphanet 475, MedGen C4084842, MONDO:0014770, OMIM 616781.

Submission:

Labcorp Genetics (formerly Invitae), Labcorp
Classification: Pathogenic for Joubert syndrome 25. Last evaluated: 2022-10-30. Review status: criteria provided, single submitter. Criteria: Invitae Variant Classification Sherloc (09022015). Collection method: clinical testing. Allele origin: germline.
Comment: For these reasons, this variant has been classified as Pathogenic. Algorithms developed to predict the effect of sequence changes on RNA splicing suggest that this variant may disrupt the consensus splice site. This variant has not been reported in the literature in individuals affected with CEP104-related conditions. This variant is present in population databases (rs765630867, gnomAD 0.0009%). This sequence change creates a premature translational stop signal (p.Ala836Glyfs*9) in the CEP104 gene. It is expected to result in an absent or disrupted protein product. Loss-of-function variants in CEP104 are known to be pathogenic (PMID: 26477546).

Literature cited by the submitters: PubMed 26477546.

NC_000001.11:g.3823227_3823243del

Gene: CEP104 (centrosomal protein 104; minus strand). Cytogenetic location: 1p36.32.
Variant type: Deletion.
Genome position: GRCh38 VCF-style: chr1-3823221-CCAGCTTCTCCGGTTTGG-C. GRCh37 (hg19) VCF-style: chr1-3739785-CCAGCTTCTCCGGTTTGG-C.
Identifiers: ClinVar variation 2893140 (VCV002893140.3), dbSNP rs765630867, ClinGen allele CA551252.